The following is an entry in ClinVar:

NM_032119.4(ADGRV1):c.4378+3G>T

Gene: ADGRV1 (adhesion G protein-coupled receptor V1; plus strand). Cytogenetic location: 5q14.3.
Variant type: single nucleotide variant.
Coding change: c.4378+3G>T on transcript NM_032119.4 (MANE Select); 3 bases into the intron after coding-DNA position 4378, G replaced by T.
Molecular consequence: intron variant.
Genome position (GRCh38, 1-based): chr5:90,653,955, G>T. VCF-style: chr5-90653955-G-T. GRCh37 (hg19) VCF-style: chr5-89949772-G-T.
Identifiers: ClinVar variation 1703899 (VCV001703899.2), dbSNP rs2532094533, ClinGen allele CA2580073801.

ClinVar aggregate classification (germline): Uncertain significance (1 of 4 stars; one submission).

Submission:

GeneDx
Classification: Uncertain significance. Last evaluated: 2022-03-01. Review status: criteria provided, single submitter. Criteria: GeneDx Variant Classification Process June 2021. Collection method: clinical testing. Allele origin: germline. Affected: yes.
Comment: Not observed at significant frequency in large population cohorts (gnomAD); In silico analysis supports a deleterious effect on splicing; Has not been previously published as pathogenic or benign to our knowledge